The following is an entry in ClinVar:

ClinVar aggregate classification (germline): Uncertain significance (1 of 4 stars; one submission).

Conditions:
Inborn genetic diseases. Identifiers: MedGen C0950123, MeSH D030342.

Submission:

Ambry Genetics
Classification: Uncertain significance for Inborn genetic diseases. Last evaluated: 2024-09-21. Review status: criteria provided, single submitter. Criteria: Ambry Variant Classification Scheme 2023. Collection method: clinical testing. Allele origin: germline.
Comment: The p.E215D variant (also known as c.645A>C), located in coding exon 6 of the BUB1B gene, results from an A to C substitution at nucleotide position 645. The glutamic acid at codon 215 is replaced by aspartic acid, an amino acid with highly similar properties. This amino acid position is conserved. In addition, this alteration is predicted to be tolerated by in silico analysis. Based on the available evidence, the clinical significance of this variant remains unclear.

NM_001211.6(BUB1B):c.645A>C (p.Glu215Asp)

Gene: BUB1B (BUB1 mitotic checkpoint serine/threonine kinase B; plus strand). Cytogenetic location: 15q15.1.
Variant type: single nucleotide variant.
Coding change: c.645A>C on transcript NM_001211.6 (MANE Select); coding-DNA position 645, A replaced by C.
Protein change: p.Glu215Asp; replaces glutamic acid 215 with aspartic acid.
Molecular consequence: missense variant.
Genome position (GRCh38, 1-based): chr15:40,183,777, A>C. VCF-style: chr15-40183777-A-C. GRCh37 (hg19) VCF-style: chr15-40475978-A-C.
Other names: short protein forms E215D.
Identifiers: ClinVar variation 3483201 (VCV003483201.1).